The following is an entry in ClinVar:

NM_001142.2(AMELX):c.366C>T (p.Pro122=)

Genes: AMELX (amelogenin X-linked; plus strand), ARHGAP6 (Rho GTPase activating protein 6; minus strand). Cytogenetic location: Xp22.2.
Variant type: single nucleotide variant.
Coding change: c.366C>T on transcript NM_001142.2 (MANE Select); coding-DNA position 366, C replaced by T.
Protein change: p.Pro122=; no amino-acid change (proline 122 retained).
Molecular consequence: synonymous variant. On other transcripts: intron variant (3).
Genome position (GRCh38, 1-based): chrX:11,298,769, C>T. VCF-style: chrX-11298769-C-T. GRCh37 (hg19) VCF-style: chrX-11316889-C-T.
Other names: c.408C>T, p.Pro136= (NM_182680.1); c.318C>T, p.Pro106= (NM_182681.1); c.589-44062G>A (NM_013427.3, NM_006125.3); c.49-44062G>A (NM_001287242.2).
Identifiers: ClinVar variation 3042941 (VCV003042941.2), dbSNP rs147013110, ClinGen allele CA10348522.
Genomic context (GRCh38, chrX:11,298,769, plus strand): 5'-CGTTCCTGGCCAACACTCCATGACTCCAATCCAACACCACCAGCCAAACCTCCCTCCGCC[C>T]GCCCAGCAGCCCTACCAGCCCCAGCCTGTTCAGCCACAGCCTCACCAGCCCATGCAGCCC-3'
Protein context (NP_001133.1, residues 112-132): IQHHQPNLPP[Pro122=]AQQPYQPQPV

ClinVar aggregate classification (germline): Likely benign (0 of 4 stars; one submission).

Conditions:
AMELX-related disorder. Also called: AMELX-related condition.

Allele frequency attached by ClinVar (database versions not stated): ExAC 0.00039; gnomAD 0.00125; ESP Exome Variant Server 0.00142; 1000 Genomes Project 30x 0.00146; TOPMed 0.00151; 1000 Genomes Project 0.00159.
gnomAD v4.1: 316 of 1,208,785 alleles (0.026%); highest among the groups gnomAD compares: African/African-American, 0.43%; no homozygotes.

Submission:

PreventionGenetics, part of Exact Sciences
Classification: Likely benign for AMELX-related condition. Last evaluated: 2019-07-15. Review status: no assertion criteria provided. Collection method: clinical testing. Allele origin: germline.
Comment: This variant is classified as likely benign based on ACMG/AMP sequence variant interpretation guidelines (Richards et al. 2015 PMID: 25741868, with internal and published modifications).